The following is an entry in ClinVar:

NM_001273.5(CHD4):c.100+11C>G

Gene: CHD4 (chromodomain helicase DNA binding protein 4; minus strand). Cytogenetic location: 12p13.31.
Variant type: single nucleotide variant.
Coding change: c.100+11C>G on transcript NM_001273.5 (MANE Select); 11 bases into the intron after coding-DNA position 100, C replaced by G.
Molecular consequence: intron variant.
Genome position (GRCh38, 1-based): chr12:6,606,263, G>C on the plus strand (C>G on the coding strand, the complement: CHD4 is on the minus strand). VCF-style: chr12-6606263-G-C. GRCh37 (hg19) VCF-style: chr12-6715429-G-C.
Other names: c.100+11C>G (NM_001363606.2, NM_001297553.2).
Identifiers: ClinVar variation 1033396 (VCV001033396.1), dbSNP rs1232426437, ClinGen allele CA2014157428.

ClinVar aggregate classification (germline): Uncertain significance (1 of 4 stars; one submission).

Conditions:
Sifrim-Hitz-Weiss syndrome (SIHIWES). Also called: CHD4 Neurodevelopmental Disorder; SIFRIM-HITZ-WEISS MULTIPLE CONGENITAL ANOMALIES-MENTAL RETARDATION SYNDROME. Identifiers: Orphanet 653712, MedGen C4310688, MONDO:0014946, OMIM 617159.

Submission:

Baylor Genetics
Classification: Uncertain significance for Sifrim-Hitz-Weiss syndrome. Last evaluated: 2018-02-23. Review status: criteria provided, single submitter. Criteria: ACMG Guidelines, 2015. Collection method: clinical testing. Allele origin: maternal. Affected: yes.
Comment: This variant was determined to be of uncertain significance according to ACMG Guidelines, 2015 [PMID:25741868].